The following is an entry in ClinVar:

NM_020549.5(CHAT):c.287G>T (p.Gly96Val)

Gene: CHAT (choline O-acetyltransferase; plus strand). Cytogenetic location: 10q11.23.
Variant type: single nucleotide variant.
Coding change: c.287G>T on transcript NM_020549.5 (MANE Select); coding-DNA position 287, G replaced by T.
Protein change: p.Gly96Val; replaces glycine 96 with valine.
Molecular consequence: missense variant. On other transcripts: 5 prime UTR variant (5).
Genome position (GRCh38, 1-based): chr10:49,616,502, G>T. VCF-style: chr10-49616502-G-T. GRCh37 (hg19) VCF-style: chr10-50824548-G-T.
Other names: c.-68G>T (NM_001142929.2, NM_001142934.2, NM_020984.4 and 2 more transcripts); c.41G>T, p.Gly14Val (NM_001142933.2); short protein forms G96V, G14V.
Identifiers: ClinVar variation 1435508 (VCV001435508.4), dbSNP rs1349499470, ClinGen allele CA376725873.

ClinVar aggregate classification (germline): Uncertain significance (1 of 4 stars; one submission).

Conditions:
Familial infantile myasthenia (CMS6). Also called: Congenital myasthenic syndrome type 6; MYASTHENIC SYNDROME, PRESYNAPTIC, CONGENITAL, ASSOCIATED WITH EPISODIC APNEA; MYASTHENIC SYNDROME, CONGENITAL, 6, PRESYNAPTIC. Identifiers: Orphanet 590, MedGen C0393929, MONDO:0009689, OMIM 254210.

Submission:

Labcorp Genetics (formerly Invitae), Labcorp
Classification: Uncertain significance for Familial infantile myasthenia. Last evaluated: 2022-06-27. Review status: criteria provided, single submitter. Criteria: Invitae Variant Classification Sherloc (09022015). Collection method: clinical testing. Allele origin: germline.
Comment: Algorithms developed to predict the effect of missense changes on protein structure and function (SIFT, PolyPhen-2, Align-GVGD) all suggest that this variant is likely to be tolerated. This variant has not been reported in the literature in individuals affected with CHAT-related conditions. This variant is not present in population databases (gnomAD no frequency). This sequence change replaces glycine, which is neutral and non-polar, with valine, which is neutral and non-polar, at codon 96 of the CHAT protein (p.Gly96Val). Algorithms developed to predict the effect of sequence changes on RNA splicing suggest that this variant may disrupt the consensus splice site. In summary, the available evidence is currently insufficient to determine the role of this variant in disease. Therefore, it has been classified as a Variant of Uncertain Significance.